The following is an entry in ClinVar:

ClinVar aggregate classification (germline): Pathogenic/Likely pathogenic. Review status: criteria provided, multiple submitters, no conflicts (2 of 4 stars). 4 submissions from 4 submitters: Pathogenic (3); Likely pathogenic (1). Last evaluated 2024-12-04.

Conditions:
Cardiovascular phenotype. Identifiers: MedGen CN230736.
Hereditary cancer-predisposing syndrome. Also called: Neoplastic Syndromes, Hereditary; Tumor predisposition; Hereditary Cancer Syndrome; Hereditary neoplastic syndrome. Identifiers: Orphanet 140162, MedGen C0027672, MeSH D009386, MONDO:0015356.
NF1-related disorder. Also called: NF1-related condition. Identifiers: MedGen CN379171.
Neurofibromatosis, type 1 (NF1). Also called: VON RECKLINGHAUSEN DISEASE; NEUROFIBROMATOSIS, TYPE I, SOMATIC; Peripheral type neurofibromatosis; Neurofibromatosis, type I. Identifiers: Orphanet 636, MedGen C0027831, MONDO:0018975, OMIM 162200. Disease mechanism: loss of function.

Submissions (4):

GeneDx
Classification: Pathogenic. Last evaluated: 2024-12-04. Review status: criteria provided, single submitter. Criteria: GeneDx Variant Classification Process June 2021. Collection method: clinical testing. Allele origin: germline. Affected: yes.
Comment: Nonsense variant predicted to result in protein truncation or nonsense mediated decay in a gene for which loss of function is a known mechanism of disease; Not observed at significant frequency in large population cohorts (gnomAD); This variant is associated with the following publications: (PMID: 37791039)

Ambry Genetics
Classification: Pathogenic for Cardiovascular phenotype; Hereditary cancer-predisposing syndrome. Last evaluated: 2021-08-23. Review status: criteria provided, single submitter. Criteria: Ambry Variant Classification Scheme 2023. Collection method: clinical testing. Allele origin: germline.
Comment: The p.W2348* pathogenic mutation (also known as c.7044G>A), located in coding exon 47 of the NF1 gene, results from a G to A substitution at nucleotide position 7044. This changes the amino acid from a tryptophan to a stop codon within coding exon 47. This variant is considered to be rare based on population cohorts in the Genome Aggregation Database (gnomAD). This alteration is expected to result in loss of function by premature protein truncation or nonsense-mediated mRNA decay. As such, this alteration is interpreted as a disease-causing mutation.

Labcorp Genetics (formerly Invitae), Labcorp
Classification: Pathogenic for Neurofibromatosis, type 1. Last evaluated: 2017-12-15. Review status: criteria provided, single submitter. Criteria: Invitae Variant Classification Sherloc (09022015). Collection method: clinical testing. Allele origin: germline.
Comment: For these reasons, this variant has been classified as Pathogenic. Loss-of-function variants in NF1 are known to be pathogenic (PMID: 10712197, 23913538). This variant has not been reported in the literature in individuals with NF1-related disease. ClinVar contains an entry for this variant (Variation ID: 404475). This variant is not present in population databases (ExAC no frequency). This sequence change creates a premature translational stop signal (p.Trp2348*) in the NF1 gene. It is expected to result in an absent or disrupted protein product.

Blueprint Genetics
Classification: Likely pathogenic for NF1-related disorders. Last evaluated: 2017-09-26. Review status: criteria provided, single submitter. Criteria: ACMG Guidelines, 2015. Collection method: clinical testing. Allele origin: germline. Affected: yes. Observed: 1 variant allele.

Literature cited by the submitters: PubMed 10712197 (cited by Labcorp Genetics (formerly Invitae), Labcorp); PubMed 23913538 (cited by Labcorp Genetics (formerly Invitae), Labcorp).

NM_001042492.3(NF1):c.7107G>A (p.Trp2369Ter)

Gene: NF1 (neurofibromin 1; plus strand). Cytogenetic location: 17q11.2.
Variant type: single nucleotide variant.
Coding change: c.7107G>A on transcript NM_001042492.3 (MANE Select); coding-DNA position 7107, G replaced by A.
Protein change: p.Trp2369Ter; replaces tryptophan 2369 with a stop codon.
Molecular consequence: nonsense.
Genome position (GRCh38, 1-based): chr17:31,343,053, G>A. VCF-style: chr17-31343053-G-A. GRCh37 (hg19) VCF-style: chr17-29670071-G-A.
Other names: c.7044G>A, p.Trp2348Ter (NM_000267.4); short protein forms W2348*, W2369*.
Identifiers: ClinVar variation 404475 (VCV000404475.10), dbSNP rs1060500286, ClinGen allele CA16615319.